The following is an entry in ClinVar:

ClinVar aggregate classification (germline): Uncertain significance (1 of 4 stars; one submission).

Conditions:
Mucolipidosis type IV (ML4). Also called: ML IV. Identifiers: Orphanet 578, MedGen C0238286, MONDO:0009653, OMIM 252650.

Submission:

Kariminejad - Najmabadi Pathology & Genetics Center
Classification: Uncertain significance for Mucolipidosis type IV. Last evaluated: 2017-08-07. Review status: criteria provided, single submitter. Criteria: ACMG Guidelines, 2015. Collection method: clinical testing. Allele origin: germline. Inheritance: Autosomal recessive inheritance. Affected: yes.
Comment: PM2, PP3, PM3_Supporting

NM_020533.3(MCOLN1):c.488T>C (p.Leu163Pro)

Gene: MCOLN1 (mucolipin TRP cation channel 1; plus strand). Cytogenetic location: 19p13.2.
Variant type: single nucleotide variant.
Coding change: c.488T>C on transcript NM_020533.3 (MANE Select); coding-DNA position 488, T replaced by C.
Protein change: p.Leu163Pro; replaces leucine 163 with proline.
Molecular consequence: missense variant.
Genome position (GRCh38, 1-based): chr19:7,526,843, T>C. VCF-style: chr19-7526843-T-C. GRCh37 (hg19) VCF-style: chr19-7591729-T-C.
Other names: short protein forms L163P.
Identifiers: ClinVar variation 3896908 (VCV003896908.1).